The following is an entry in ClinVar:

NM_020699.4(GATAD2B):c.707C>T (p.Pro236Leu)

Gene: GATAD2B (GATA zinc finger domain containing 2B; minus strand). Cytogenetic location: 1q21.3.
Variant type: single nucleotide variant.
Coding change: c.707C>T on transcript NM_020699.4 (MANE Select); coding-DNA position 707, C replaced by T.
Protein change: p.Pro236Leu; replaces proline 236 with leucine.
Molecular consequence: missense variant.
Genome position (GRCh38, 1-based): chr1:153,818,062, G>A on the plus strand (C>T on the coding strand, the complement: GATAD2B is on the minus strand). VCF-style: chr1-153818062-G-A. GRCh37 (hg19) VCF-style: chr1-153790538-G-A.
Other names: short protein forms P236L.
Identifiers: ClinVar variation 1350969 (VCV001350969.6), dbSNP rs2101881333, ClinGen allele CA342531546.

ClinVar aggregate classification (germline): Uncertain significance (1 of 4 stars; one submission).

Submission:

Labcorp Genetics (formerly Invitae), Labcorp
Classification: Uncertain significance. Last evaluated: 2022-07-12. Review status: criteria provided, single submitter. Criteria: Invitae Variant Classification Sherloc (09022015). Collection method: clinical testing. Allele origin: germline.
Comment: In summary, the available evidence is currently insufficient to determine the role of this variant in disease. Therefore, it has been classified as a Variant of Uncertain Significance. Algorithms developed to predict the effect of missense changes on protein structure and function are either unavailable or do not agree on the potential impact of this missense change (SIFT: "Not Available"; PolyPhen-2: "Possibly Damaging"; Align-GVGD: "Not Available"). ClinVar contains an entry for this variant (Variation ID: 1350969). This variant has not been reported in the literature in individuals affected with GATAD2B-related conditions. This variant is not present in population databases (gnomAD no frequency). This sequence change replaces proline, which is neutral and non-polar, with leucine, which is neutral and non-polar, at codon 236 of the GATAD2B protein (p.Pro236Leu).